The following is an entry in ClinVar:

ClinVar aggregate classification (germline): Likely pathogenic. Review status: criteria provided, multiple submitters, no conflicts (2 of 4 stars). 3 submissions from 3 submitters: Likely pathogenic (3). Last evaluated 2026-02-11.

Conditions:
PMM2-congenital disorder of glycosylation. Also called: CDG Ia; JAEKEN SYNDROME; PHOSPHOMANNOMUTASE 2 DEFICIENCY; CARBOHYDRATE-DEFICIENT GLYCOPROTEIN SYNDROME, TYPE Ia; PMM2-CDG; Congenital disorder of glycosylation, type Ia. Identifiers: Orphanet 79318, MedGen C0349653, MONDO:0008907, OMIM 212065.

Allele frequency attached by ClinVar (database versions not stated): gnomAD exomes below 0.00001; gnomAD 0.00001; 1000 Genomes Project 30x 0.00031.

Submissions (3):

Myriad Genetics, Inc.
Classification: Likely pathogenic for PMM2-congenital disorder of glycosylation. Last evaluated: 2026-02-11. Review status: criteria provided, single submitter. Criteria: Myriad Autosomal Dominant, Autosomal Recessive and X-Linked Classification Criteria (2023). Collection method: clinical testing. Allele origin: unknown.
Comment: NM_000303.2(PMM2):c.348-2delA is a variant in a canonical splice site classified as likely pathogenic in the context of congenital disorder of glycosylation, PMM2-related. c.348-2delA has not been observed in cases with relevant disease. Relevant functional assessments of this variant are not available in the literature. c.348-2delA has not been observed in referenced population frequency databases. In summary, NM_000303.2(PMM2):c.348-2delA is a variant in a canonical splice site in a gene where loss of function is a known mechanism of disease and is predicted to disrupt protein function. Please note: this variant was assessed in the context of healthy population screening.

Labcorp Genetics (formerly Invitae), Labcorp
Classification: Likely pathogenic for PMM2-congenital disorder of glycosylation. Last evaluated: 2026-01-11. Review status: criteria provided, single submitter. Criteria: Invitae Variant Classification Sherloc (09022015). Collection method: clinical testing. Allele origin: germline.
Comment: This sequence change affects a splice site in intron 4 of the PMM2 gene. It is expected to disrupt RNA splicing. Variants that disrupt the donor or acceptor splice site typically lead to a loss of protein function (PMID: 16199547), and loss-of-function variants in PMM2 are known to be pathogenic (PMID: 19862844). This variant is not present in population databases (gnomAD no frequency). This variant has not been reported in the literature in individuals affected with PMM2-related conditions. ClinVar contains an entry for this variant (Variation ID: 1349452). Algorithms developed to predict the effect of sequence changes on RNA splicing suggest that this variant may disrupt the consensus splice site. In summary, the currently available evidence indicates that the variant is pathogenic, but additional data are needed to prove that conclusively. Therefore, this variant has been classified as Likely Pathogenic.

Baylor Genetics
Classification: Likely pathogenic for PMM2-congenital disorder of glycosylation. Last evaluated: 2023-12-07. Review status: criteria provided, single submitter. Criteria: ACMG Guidelines, 2015. Collection method: clinical testing. Allele origin: unknown.

Literature cited by the submitters: PubMed 16199547 (cited by Labcorp Genetics (formerly Invitae), Labcorp); PubMed 19862844 (cited by Labcorp Genetics (formerly Invitae), Labcorp).

NM_000303.3(PMM2):c.348-2del

Gene: PMM2 (phosphomannomutase 2; plus strand). Cytogenetic location: 16p13.2.
Variant type: Deletion.
Coding change: c.348-2del on transcript NM_000303.3 (MANE Select); the canonical splice acceptor site of the intron before coding-DNA position 348, one base deleted (A; older notation c.348-2delA).
Molecular consequence: splice acceptor variant.
Genome position (GRCh38, 1-based): chr16:8,811,077, A deleted. VCF-style (leftmost placement, unchanged base first): chr16-8811076-CA-C. GRCh37 (hg19) VCF-style: chr16-8904933-CA-C.
Identifiers: ClinVar variation 1349452 (VCV001349452.8), dbSNP rs2141022949, ClinGen allele CA2573152102.